The following is an entry in ClinVar:

NC_000012.11:g.(?_8800687)_(8814700_?)dup

Gene: MFAP5 (microfibril associated protein 5; minus strand). Cytogenetic location: 12p13.31.
Variant type: Duplication.
Identifiers: ClinVar variation 2424687 (VCV002424687.3).

ClinVar aggregate classification (germline): Uncertain significance (1 of 4 stars; one submission).

Submission:

Labcorp Genetics (formerly Invitae), Labcorp
Classification: Uncertain significance. Last evaluated: 2022-08-12. Review status: criteria provided, single submitter. Criteria: Invitae Variant Classification Sherloc (09022015). Collection method: clinical testing. Allele origin: germline.
Comment: A copy number gain of the genomic region encompassing the full coding sequence of the MFAP5 gene has been identified. The boundaries of this event are unknown as they extend beyond the assayed region for this gene and therefore may encompass additional genes. As the precise location of this event is unknown, it may be in tandem or it may be located elsewhere in the genome. This variant has not been reported in the literature in individuals affected with MFAP5-related conditions. In summary, the available evidence is currently insufficient to determine the role of this variant in disease. Therefore, it has been classified as a Variant of Uncertain Significance.